The following is an entry in ClinVar:

NM_018076.5(ODAD2):c.325C>T (p.Arg109Cys)

Gene: ODAD2 (outer dynein arm docking complex subunit 2; minus strand). Cytogenetic location: 10p12.1.
Variant type: single nucleotide variant.
Coding change: c.325C>T on transcript NM_018076.5 (MANE Select); coding-DNA position 325, C replaced by T.
Protein change: p.Arg109Cys; replaces arginine 109 with cysteine.
Molecular consequence: missense variant.
Genome position (GRCh38, 1-based): chr10:27,987,443, G>A on the plus strand (C>T on the coding strand, the complement: ODAD2 is on the minus strand). VCF-style: chr10-27987443-G-A. GRCh37 (hg19) VCF-style: chr10-28276372-G-A.
Other names: c.325C>T (NM_018076.2); c.325C>T, p.Arg109Cys (NM_001290020.2); short protein forms R109C.
Identifiers: ClinVar variation 2423964 (VCV002423964.7), dbSNP rs753265688, ClinGen allele CA5453855.

ClinVar aggregate classification (germline): Uncertain significance. Review status: criteria provided, multiple submitters, no conflicts (2 of 4 stars). 2 submissions from 2 submitters: Uncertain significance (2). Last evaluated 2024-01-15.

Conditions:
Primary ciliary dyskinesia 23 (CILD23). Also called: CILIARY DYSKINESIA, PRIMARY, 23, WITH OR WITHOUT SITUS INVERSUS. Identifiers: Orphanet 244, MedGen C3809548, MONDO:0014193, OMIM 615451.
Primary ciliary dyskinesia. Also called: Ciliary dyskinesia. Identifiers: Orphanet 244, MedGen C0008780, MONDO:0016575, HP:0012265.

Allele frequency attached by ClinVar (database versions not stated): gnomAD exomes 0.00001; ExAC 0.00002; gnomAD 0.00002; TOPMed 0.00002; 1000 Genomes Project 30x 0.00016.
gnomAD v4.1: 15 of 1,613,934 alleles (0.00093%); highest among the groups gnomAD compares: East Asian, 0.013%; no homozygotes.

Submissions (2):

Labcorp Genetics (formerly Invitae), Labcorp
Classification: Uncertain significance for Primary ciliary dyskinesia 23. Last evaluated: 2024-01-15. Review status: criteria provided, single submitter. Criteria: Invitae Variant Classification Sherloc (09022015). Collection method: clinical testing. Allele origin: germline.
Comment: This sequence change replaces arginine, which is basic and polar, with cysteine, which is neutral and slightly polar, at codon 109 of the ARMC4 protein (p.Arg109Cys). This variant is present in population databases (rs753265688, gnomAD 0.04%). This variant has not been reported in the literature in individuals affected with ARMC4-related conditions. ClinVar contains an entry for this variant (Variation ID: 2423964). Algorithms developed to predict the effect of missense changes on protein structure and function output the following: SIFT: "Not Available"; PolyPhen-2: "Benign"; Align-GVGD: "Not Available". The cysteine amino acid residue is found in multiple mammalian species, which suggests that this missense change does not adversely affect protein function. In summary, the available evidence is currently insufficient to determine the role of this variant in disease. Therefore, it has been classified as a Variant of Uncertain Significance.

Ambry Genetics
Classification: Uncertain significance for Primary ciliary dyskinesia. Last evaluated: 2023-11-22. Review status: criteria provided, single submitter. Criteria: Ambry Variant Classification Scheme 2023. Collection method: clinical testing. Allele origin: germline.